The following is an entry in ClinVar:

NM_014927.5(CNKSR2):c.681+9T>C

Gene: CNKSR2 (connector enhancer of kinase suppressor of Ras 2; plus strand). Cytogenetic location: Xp22.12.
Variant type: single nucleotide variant.
Coding change: c.681+9T>C on transcript NM_014927.5 (MANE Select); 9 bases into the intron after coding-DNA position 681, T replaced by C.
Molecular consequence: intron variant.
Genome position (GRCh38, 1-based): chrX:21,490,587, T>C. VCF-style: chrX-21490587-T-C. GRCh37 (hg19) VCF-style: chrX-21508705-T-C.
Other names: c.681+9T>C (NM_001168647.3, NM_001330770.2, NM_001330772.2 and 4 more transcripts).
Identifiers: ClinVar variation 3049963 (VCV003049963.2), dbSNP rs2518970563, ClinGen allele CA2693288172.
Genomic context (GRCh38, chrX:21,490,587, plus strand): 5'-TGCTCACCTGGAAGTGATTCAACTGGCAAACATTAAACCAAGCGAAGGGCTGGTAAGAGA[T>C]ACCATGTTTATCAAAACCACCATCCATCAGTAGAGAGCTAATGATGTGGACAAAGCAGCC-3'

ClinVar aggregate classification (germline): Likely benign (0 of 4 stars; one submission).

Conditions:
CNKSR2-related disorder. Also called: CNKSR2-related condition.

Allele frequency attached by ClinVar (database versions not stated): gnomAD exomes below 0.00001.
gnomAD v4.1: 5 of 1,203,179 alleles (0.00042%); highest among the groups gnomAD compares: Middle Eastern, 0.12%; 1 homozygote.

Submission:

PreventionGenetics, part of Exact Sciences
Classification: Likely benign for CNKSR2-related condition. Last evaluated: 2019-07-12. Review status: no assertion criteria provided. Collection method: clinical testing. Allele origin: germline.
Comment: This variant is classified as likely benign based on ACMG/AMP sequence variant interpretation guidelines (Richards et al. 2015 PMID: 25741868, with internal and published modifications).